The following is an entry in ClinVar:

ClinVar aggregate classification (germline): Conflicting classifications of pathogenicity. Review status: criteria provided, conflicting classifications (1 of 4 stars). 3 submissions from 3 submitters: Uncertain significance (2); Likely benign (1). Last evaluated 2024-03-27.

Conditions:
Hereditary cancer-predisposing syndrome. Also called: Hereditary Cancer Syndrome; Hereditary neoplastic syndrome; Tumor predisposition; Neoplastic Syndromes, Hereditary. Identifiers: Orphanet 140162, MedGen C0027672, MeSH D009386, MONDO:0015356.
Hereditary breast ovarian cancer syndrome. Also called: Hereditary breast and ovarian cancer syndrome (HBOC); Hereditary breast and ovarian cancer; BRCA1- and BRCA2-Associated Hereditary Breast and Ovarian Cancer; Breast and ovarian cancer; Hereditary breast and ovarian cancer syndrome; Hereditary breast and/or ovarian cancer syndrome. Identifiers: Orphanet 145, MedGen C0677776, MeSH D061325, MONDO:0003582. Disease mechanism: loss of function.

Submissions (3):

Labcorp Genetics (formerly Invitae), Labcorp
Classification: Uncertain significance for Hereditary breast ovarian cancer syndrome. Last evaluated: 2024-03-27. Review status: criteria provided, single submitter. Criteria: Invitae Variant Classification Sherloc (09022015). Collection method: clinical testing. Allele origin: germline.
Comment: This sequence change replaces asparagine, which is neutral and polar, with aspartic acid, which is acidic and polar, at codon 802 of the BRCA2 protein (p.Asn802Asp). This variant is not present in population databases (gnomAD no frequency). This variant has not been reported in the literature in individuals affected with BRCA2-related conditions. ClinVar contains an entry for this variant (Variation ID: 1790773). Advanced modeling of protein sequence and biophysical properties (such as structural, functional, and spatial information, amino acid conservation, physicochemical variation, residue mobility, and thermodynamic stability) performed at Invitae indicates that this missense variant is not expected to disrupt BRCA2 protein function with a negative predictive value of 95%. In summary, the available evidence is currently insufficient to determine the role of this variant in disease. Therefore, it has been classified as a Variant of Uncertain Significance.

University of Washington Department of Laboratory Medicine, University of Washington
Classification: Likely benign for Hereditary cancer-predisposing syndrome. Last evaluated: 2023-03-23. Review status: criteria provided, single submitter. Criteria: Dines et al. (Genet Med. 2020). Collection method: curation. Allele origin: germline.
Comment: Missense variant in a coldspot region where missense variants are very unlikely to be pathogenic (PMID:31911673).

BRCA2 exon 11 coldspot. Reclassification based on statistical prior probability.

Ambry Genetics
Classification: Uncertain significance for Hereditary cancer-predisposing syndrome. Last evaluated: 2022-03-19. Review status: criteria provided, single submitter. Criteria: Ambry Variant Classification Scheme 2023. Collection method: clinical testing. Allele origin: germline.
Comment: The p.N802D variant (also known as c.2404A>G), located in coding exon 10 of the BRCA2 gene, results from an A to G substitution at nucleotide position 2404. The asparagine at codon 802 is replaced by aspartic acid, an amino acid with highly similar properties. This amino acid position is conserved. In addition, this alteration is predicted to be tolerated by in silico analysis. Since supporting evidence is limited at this time, the clinical significance of this alteration remains unclear.

NM_000059.4(BRCA2):c.2404A>G (p.Asn802Asp)

Gene: BRCA2 (BRCA2 DNA repair associated; plus strand). Cytogenetic location: 13q13.1.
Variant type: single nucleotide variant.
Coding change: c.2404A>G on transcript NM_000059.4 (MANE Select); coding-DNA position 2404, A replaced by G.
Protein change: p.Asn802Asp; replaces asparagine 802 with aspartic acid.
Molecular consequence: missense variant.
Genome position (GRCh38, 1-based): chr13:32,336,759, A>G. VCF-style: chr13-32336759-A-G. GRCh37 (hg19) VCF-style: chr13-32910896-A-G.
Other names: c.2404A>G, p.Asn802Asp (NM_001406719.1, NM_001406720.1); short protein forms N802D.
Identifiers: ClinVar variation 1790773 (VCV001790773.6), dbSNP rs2137486117, ClinGen allele CA387771985.